The following is an entry in ClinVar:

ClinVar aggregate classification (germline): Conflicting classifications of pathogenicity. Review status: criteria provided, conflicting classifications (1 of 4 stars). 4 submissions from 4 submitters: Uncertain significance (1); Likely benign (2). 1 of the submissions does not count toward it. Last evaluated 2025-08-17.

Conditions:
EYS-related disorder. Also called: EYS-related condition.
Retinitis pigmentosa (RP). Identifiers: Orphanet 791, MedGen C0035334, MeSH D012174, MONDO:0019200, OMIM 268000. Inheritance: Autosomal dominant, autosomal recessive and X linked inheritance.

Allele frequency attached by ClinVar (database versions not stated): gnomAD exomes 0.00005; TOPMed 0.00007; gnomAD 0.00009 and 0.00010.
gnomAD v4.1: 335 of 1,538,100 alleles (0.022%); highest among the groups gnomAD compares: Non-Finnish European, 0.028%; no homozygotes.

Submissions (4):

Labcorp Genetics (formerly Invitae), Labcorp
Classification: Likely benign. Last evaluated: 2025-08-17. Review status: criteria provided, single submitter. Criteria: Invitae Variant Classification Sherloc (09022015). Collection method: clinical testing. Allele origin: germline.

Blueprint Genetics
Classification: Likely benign. Last evaluated: 2022-06-29. Review status: criteria provided, single submitter. Criteria: ACMG Guidelines, 2015. Collection method: clinical testing. Allele origin: germline.

Illumina Laboratory Services, Illumina
Classification: Uncertain significance for Retinitis pigmentosa. Last evaluated: 2018-01-13. Review status: criteria provided, single submitter. Criteria: ICSL Variant Classification Criteria 13 December 2019. Collection method: clinical testing. Allele origin: germline.

PreventionGenetics, part of Exact Sciences
Classification: Likely benign for EYS-related condition. Last evaluated: 2020-02-14. Review status: no assertion criteria provided. Collection method: clinical testing. Allele origin: germline. Not counted in ClinVar's aggregate classification.
Comment: This variant is classified as likely benign based on ACMG/AMP sequence variant interpretation guidelines (Richards et al. 2015 PMID: 25741868, with internal and published modifications).

NM_001142800.2(EYS):c.2260-7C>T

Gene: EYS (EGF-like photoreceptor maintenance factor; minus strand). Cytogenetic location: 6q12.
Variant type: single nucleotide variant.
Coding change: c.2260-7C>T on transcript NM_001142800.2 (MANE Select); 7 bases into the intron before coding-DNA position 2260, C replaced by T.
Molecular consequence: intron variant.
Genome position (GRCh38, 1-based): chr6:64,945,921, G>A on the plus strand (C>T on the coding strand, the complement: EYS is on the minus strand). VCF-style: chr6-64945921-G-A. GRCh37 (hg19) VCF-style: chr6-65655814-G-A.
Other names: c.2260-7C>T (NM_001292009.2).
Identifiers: ClinVar variation 357730 (VCV000357730.16), dbSNP rs532797776, ClinGen allele CA10627424.
Genomic context (GRCh38, chr6:64,945,921, plus strand): 5'-TTCTTGTTCACAAAAATTTCCTTCCCAATCAGATAGGCACACACACTGGTAGCTCTAAGA[G>A]AATATGAAATTATATATTTTTAGGCTATTTCTTACTATTAAGCCTATAATACAGATATTA-3'